The following is an entry in ClinVar:

ClinVar aggregate classification (germline): Uncertain significance (1 of 4 stars; one submission).

Conditions:
KBG syndrome (KBGS). Also called: ANKRD11-Related KBG Syndrome. Identifiers: Orphanet 2332, MedGen C0220687, MONDO:0007846, OMIM 148050.

Submission:

Labcorp Genetics (formerly Invitae), Labcorp
Classification: Uncertain significance for KBG syndrome. Last evaluated: 2025-07-30. Review status: criteria provided, single submitter. Criteria: Invitae Variant Classification Sherloc (09022015). Collection method: clinical testing. Allele origin: germline.
Comment: This sequence change replaces proline, which is neutral and non-polar, with leucine, which is neutral and non-polar, at codon 2361 of the ANKRD11 protein (p.Pro2361Leu). This variant is not present in population databases (gnomAD no frequency). This variant has not been reported in the literature in individuals affected with ANKRD11-related conditions. Invitae Evidence Modeling of protein sequence and biophysical properties (such as structural, functional, and spatial information, amino acid conservation, physicochemical variation, residue mobility, and thermodynamic stability) indicates that this missense variant is not expected to disrupt ANKRD11 protein function with a negative predictive value of 95%. In summary, the available evidence is currently insufficient to determine the role of this variant in disease. Therefore, it has been classified as a Variant of Uncertain Significance.

NM_013275.6(ANKRD11):c.7082C>T (p.Pro2361Leu)

Gene: ANKRD11 (ankyrin repeat domain 11; minus strand). Cytogenetic location: 16q24.3.
Variant type: single nucleotide variant.
Coding change: c.7082C>T on transcript NM_013275.6 (MANE Select); coding-DNA position 7082, C replaced by T.
Protein change: p.Pro2361Leu; replaces proline 2361 with leucine.
Molecular consequence: missense variant.
Genome position (GRCh38, 1-based): chr16:89,279,460, G>A on the plus strand (C>T on the coding strand, the complement: ANKRD11 is on the minus strand). VCF-style: chr16-89279460-G-A. GRCh37 (hg19) VCF-style: chr16-89345868-G-A.
Other names: c.7082C>T, p.Pro2361Leu (NM_001256182.2, NM_001256183.2); short protein forms P2361L.
Identifiers: ClinVar variation 4692755 (VCV004692755.1).
Genomic context (GRCh38, chr16:89,279,460, plus strand): 5'-GCCTGGGCGTCGTCGTCCTCGGAGCCGCGGGCCTTGGCCCTGGTGACCGGGGCAGGGGTG[G>A]GGGCGCACTCCTTCTCGGAGGGGGGCGGGCCCTGCTTGCTCTGGTTCGCGAGCATCTGCG-3'
Protein context (NP_037407.4, residues 2351-2371): GPPPSEKECA[Pro2361Leu]TPAPVTRAKA